The following is an entry in ClinVar:

ClinVar aggregate classification (germline): Uncertain significance (1 of 4 stars; one submission).

Conditions:
Colorectal cancer, hereditary nonpolyposis, type 7. Identifiers: Orphanet 144, MedGen C1858380, MONDO:0013725, OMIM 614385.

gnomAD v4.1: 1 of 1,521,706 alleles (0.000066%); no homozygotes.

Submission:

Labcorp Genetics (formerly Invitae), Labcorp
Classification: Uncertain significance for Colorectal cancer, hereditary nonpolyposis, type 7. Last evaluated: 2023-10-16. Review status: criteria provided, single submitter. Criteria: Invitae Variant Classification Sherloc (09022015). Collection method: clinical testing. Allele origin: germline.
Comment: This sequence change affects an acceptor splice site in intron 4 of the MLH3 gene. It is expected to disrupt RNA splicing. Variants that disrupt the donor or acceptor splice site typically lead to a loss of protein function (PMID: 16199547), however the current clinical and genetic evidence is not sufficient to establish whether loss-of-function variants in MLH3 cause disease. This variant is not present in population databases (gnomAD no frequency). This variant has not been reported in the literature in individuals affected with MLH3-related conditions. Algorithms developed to predict the effect of sequence changes on RNA splicing suggest that this variant may disrupt the consensus splice site. In summary, the available evidence is currently insufficient to determine the role of this variant in disease. Therefore, it has been classified as a Variant of Uncertain Significance.

Literature cited by the submitters: PubMed 16199547.

NM_001040108.2(MLH3):c.3466-2A>G

Gene: MLH3 (mutL homolog 3; minus strand). Cytogenetic location: 14q24.3.
Variant type: single nucleotide variant.
Coding change: c.3466-2A>G on transcript NM_001040108.2 (MANE Select); the canonical splice acceptor site of the intron before coding-DNA position 3466, A replaced by G.
Molecular consequence: splice acceptor variant.
Genome position (GRCh38, 1-based): chr14:75,040,017, T>C on the plus strand (A>G on the coding strand, the complement: MLH3 is on the minus strand). VCF-style: chr14-75040017-T-C. GRCh37 (hg19) VCF-style: chr14-75506720-T-C.
Other names: c.3466-2A>G (NM_014381.3).
Identifiers: ClinVar variation 2757361 (VCV002757361.3), dbSNP rs2503196672, ClinGen allele CA390429206.